The following is an entry in ClinVar:

ClinVar aggregate classification (germline): Uncertain significance (1 of 4 stars; one submission).

gnomAD v4.1: 11 of 1,217,086 alleles (0.0009%); highest among the groups gnomAD compares: Non-Finnish European, 0.001%; no homozygotes.

Submission:

Labcorp Genetics (formerly Invitae), Labcorp
Classification: Uncertain significance. Last evaluated: 2024-11-14. Review status: criteria provided, single submitter. Criteria: Invitae Variant Classification Sherloc (09022015). Collection method: clinical testing. Allele origin: germline.
Comment: This sequence change replaces glycine, which is neutral and non-polar, with serine, which is neutral and polar, at codon 12 of the INPPL1 protein (p.Gly12Ser). This variant is present in population databases (no rsID available, gnomAD 0.007%). This variant has not been reported in the literature in individuals affected with INPPL1-related conditions. An algorithm developed to predict the effect of missense changes on protein structure and function outputs the following: PolyPhen-2: "Not Available". The serine amino acid residue is found in multiple mammalian species, which suggests that this missense change does not adversely affect protein function. In summary, the available evidence is currently insufficient to determine the role of this variant in disease. Therefore, it has been classified as a Variant of Uncertain Significance.

NM_001567.4(INPPL1):c.34G>A (p.Gly12Ser)

Genes: INPPL1 (inositol polyphosphate phosphatase like 1; plus strand), LOC130006327 (ATAC-STARR-seq lymphoblastoid silent region 3716; plus strand). Cytogenetic location: 11q13.4.
Variant type: single nucleotide variant.
Coding change: c.34G>A on transcript NM_001567.4 (MANE Select); coding-DNA position 34, G replaced by A.
Protein change: p.Gly12Ser; replaces glycine 12 with serine.
Molecular consequence: missense variant.
Genome position (GRCh38, 1-based): chr11:72,225,018, G>A. VCF-style: chr11-72225018-G-A. GRCh37 (hg19) VCF-style: chr11-71936062-G-A.
Other names: short protein forms G12S.
Identifiers: ClinVar variation 3614374 (VCV003614374.2).